The following is an entry in ClinVar:

ClinVar aggregate classification (germline): Uncertain significance (1 of 4 stars; one submission).

Submission:

Labcorp Genetics (formerly Invitae), Labcorp
Classification: Uncertain significance. Last evaluated: 2022-10-01. Review status: criteria provided, single submitter. Criteria: Invitae Variant Classification Sherloc (09022015). Collection method: clinical testing. Allele origin: germline.
Comment: This sequence change replaces glutamic acid, which is acidic and polar, with alanine, which is neutral and non-polar, at codon 191 of the RNF31 protein (p.Glu191Ala). This variant is not present in population databases (gnomAD no frequency). This variant has not been reported in the literature in individuals affected with RNF31-related conditions. Algorithms developed to predict the effect of missense changes on protein structure and function output the following: SIFT: "Tolerated"; PolyPhen-2: "Benign"; Align-GVGD: "Class C0". The alanine amino acid residue is found in multiple mammalian species, which suggests that this missense change does not adversely affect protein function. In summary, the available evidence is currently insufficient to determine the role of this variant in disease. Therefore, it has been classified as a Variant of Uncertain Significance.

NM_017999.5(RNF31):c.572A>C (p.Glu191Ala)

Gene: RNF31 (ring finger protein 31; plus strand). Cytogenetic location: 14q12.
Variant type: single nucleotide variant.
Coding change: c.572A>C on transcript NM_017999.5 (MANE Select); coding-DNA position 572, A replaced by C.
Protein change: p.Glu191Ala; replaces glutamic acid 191 with alanine.
Molecular consequence: missense variant.
Genome position (GRCh38, 1-based): chr14:24,148,817, A>C. VCF-style: chr14-24148817-A-C. GRCh37 (hg19) VCF-style: chr14-24618026-A-C.
Other names: c.119A>C, p.Glu40Ala (NM_001310332.2); short protein forms E191A, E40A.
Identifiers: ClinVar variation 1922407 (VCV001922407.5), dbSNP rs2501993774, ClinGen allele CA389289926.